The following is an entry in ClinVar:

NM_018180.3(DHX32):c.1775T>C (p.Leu592Ser)

Genes: DHX32 (DEAH-box helicase 32 (putative); minus strand), BCCIP (BRCA2 and CDKN1A interacting protein; plus strand). Cytogenetic location: 10q26.2.
Variant type: single nucleotide variant.
Coding change: c.1775T>C on transcript NM_018180.3 (MANE Select); coding-DNA position 1775, T replaced by C.
Protein change: p.Leu592Ser; replaces leucine 592 with serine.
Molecular consequence: missense variant. On other transcripts: intron variant (2).
Genome position (GRCh38, 1-based): chr10:125,839,107, A>G on the plus strand (T>C on the coding strand, the complement: DHX32 is on the minus strand). VCF-style: chr10-125839107-A-G. GRCh37 (hg19) VCF-style: chr10-127527676-A-G.
Other names: c.775-2148A>G (NM_016567.4, NM_078469.3); short protein forms L592S.
Identifiers: ClinVar variation 1942403 (VCV001942403.4), dbSNP rs528964683, ClinGen allele CA5739054.

ClinVar aggregate classification (germline): Uncertain significance (1 of 4 stars; one submission).

Allele frequency attached by ClinVar (database versions not stated): 1000 Genomes Project 30x 0.00016; gnomAD 0.00001; gnomAD exomes 0.00001; ExAC 0.00003; 1000 Genomes Project 0.00020.
gnomAD v4.1: 12 of 1,614,220 alleles (0.00074%); highest among the groups gnomAD compares: South Asian, 0.0044%; no homozygotes.

Submission:

Labcorp Genetics (formerly Invitae), Labcorp
Classification: Uncertain significance. Last evaluated: 2022-03-01. Review status: criteria provided, single submitter. Criteria: Invitae Variant Classification Sherloc (09022015). Collection method: clinical testing. Allele origin: germline.
Comment: In summary, the available evidence is currently insufficient to determine the role of this variant in disease. Therefore, it has been classified as a Variant of Uncertain Significance. Algorithms developed to predict the effect of missense changes on protein structure and function (SIFT, PolyPhen-2, Align-GVGD) all suggest that this variant is likely to be tolerated. This variant has not been reported in the literature in individuals affected with DHX32-related conditions. This variant is present in population databases (rs528964683, gnomAD 0.006%). This sequence change replaces leucine, which is neutral and non-polar, with serine, which is neutral and polar, at codon 592 of the DHX32 protein (p.Leu592Ser).